The following is an entry in ClinVar:

NM_005546.4(ITK):c.1770T>G (p.Ile590Met)

Gene: ITK (IL2 inducible T cell kinase; plus strand). Cytogenetic location: 5q33.3.
Variant type: single nucleotide variant.
Coding change: c.1770T>G on transcript NM_005546.4 (MANE Select); coding-DNA position 1770, T replaced by G.
Protein change: p.Ile590Met; replaces isoleucine 590 with methionine.
Molecular consequence: missense variant.
Genome position (GRCh38, 1-based): chr5:157,248,986, T>G. VCF-style: chr5-157248986-T-G. GRCh37 (hg19) VCF-style: chr5-156675996-T-G.
Other names: short protein forms I590M.
Identifiers: ClinVar variation 949954 (VCV000949954.10), dbSNP rs1755079116, ClinGen allele CA361963963.
Genomic context (GRCh38, chr5:157,248,986, plus strand): 5'-CATCAGTACCGGATTTCGGTTGTACAAGCCCCGGCTGGCCTCCACACACGTCTACCAGAT[T>G]ATGAATCACTGCTGGAAAGAGGTCAGTGGAGGAAGTGCTTCCCCATGCATTGTCGTATAC-3'
Protein context (NP_005537.3, residues 580-600): PRLASTHVYQ[Ile590Met]MNHCWKERPE

ClinVar aggregate classification (germline): Uncertain significance. Review status: criteria provided, multiple submitters, no conflicts (2 of 4 stars). 2 submissions from 2 submitters: Uncertain significance (2). Last evaluated 2025-06-29.

Conditions:
Inborn genetic diseases. Identifiers: MedGen C0950123, MeSH D030342.
Lymphoproliferative syndrome 1 (LPFS1). Identifiers: Orphanet 238505, Orphanet 538963, MedGen C3552634, MONDO:0013081, OMIM 613011.

Submissions (2):

Ambry Genetics
Classification: Uncertain significance for Inborn genetic diseases. Last evaluated: 2025-06-29. Review status: criteria provided, single submitter. Criteria: Ambry Variant Classification Scheme 2023. Collection method: clinical testing. Allele origin: germline.

Labcorp Genetics (formerly Invitae), Labcorp
Classification: Uncertain significance for Lymphoproliferative syndrome 1. Last evaluated: 2019-06-28. Review status: criteria provided, single submitter. Criteria: Invitae Variant Classification Sherloc (09022015). Collection method: clinical testing. Allele origin: germline.
Comment: This variant is not present in population databases (ExAC no frequency). In summary, the available evidence is currently insufficient to determine the role of this variant in disease. Therefore, it has been classified as a Variant of Uncertain Significance. Algorithms developed to predict the effect of missense changes on protein structure and function are either unavailable or do not agree on the potential impact of this missense change (SIFT: "Tolerated"; PolyPhen-2: "Benign"; Align-GVGD: "Class C0"). This variant has not been reported in the literature in individuals with ITK-related conditions. This sequence change replaces isoleucine with methionine at codon 590 of the ITK protein (p.Ile590Met). The isoleucine residue is weakly conserved and there is a small physicochemical difference between isoleucine and methionine.